The following is an entry in ClinVar:

ClinVar aggregate classification (germline): Likely pathogenic (1 of 4 stars; one submission).

Conditions:
Leukoencephalopathy with brain stem and spinal cord involvement-high lactate syndrome (LBSL). Also called: Leukoencephalopathy with Brainstem and Spinal Cord Involvement and Lactate Elevation; MITOCHONDRIAL ASPARTYL-tRNA SYNTHETASE DEFICIENCY; LEUKOENCEPHALOPATHY WITH BRAINSTEM AND SPINAL CORD INVOLVEMENT AND LACTATE ELEVATION, MILD. Identifiers: Orphanet 137898, MedGen C1970180, MONDO:0012622, OMIM 611105.

gnomAD v4.1: 4 of 1,542,884 alleles (0.00026%); highest among the groups gnomAD compares: African/African-American, 0.0042%; no homozygotes.

Submission:

Broad Center for Mendelian Genomics, Broad Institute of MIT and Harvard
Classification: Likely pathogenic for Leukoencephalopathy with brain stem and spinal cord involvement-high lactate syndrome. Last evaluated: 2025-01-16. Review status: criteria provided, single submitter. Criteria: ACMG Guidelines, 2015. Collection method: curation. Allele origin: germline. Inheritance: Autosomal recessive inheritance.
Comment: The p.Phe86= variant in DARS2 has been reported in 2 individuals with leukoencephalopathy with brain stem and spinal cord involvement-high lactate syndrome (PMID: 33972171, 33791999), and has been identified in 0.004% (3/72024) of African/African American chromosomes by the Genome Aggregation Database (gnomAD; dbSNP rs1043805425). Although this variant has been seen in the general population in a heterozygous state, its frequency is low enough to be consistent with a recessive carrier frequency. Of the 2 affected individuals, 1 of those was a homozygote, which increases the likelihood that the p.Phe86= variant is pathogenic (PMID: 33791999). RNAseq analysis performed on unaffected tissue shows exon skipping of exon 3, and is predicted to result in nonsense mediated decay (NMD) and result in a truncated or absent protein (PMID: 33791999). Loss of function of the DASR2 gene is an established disease mechanism in autosomal recessive leukoencephalopathy with brain stem and spinal cord involvement-high lactate syndrome. In summary, although additional studies are required to fully establish its clinical significance, this variant is likely pathogenic for autosomal recessive leukoencephalopathy with brain stem and spinal cord involvement-high lactate syndrome. ACMG/AMP Criteria applied: PVS1_strong, PM2_supporting, PM3_supporting (Richards 2015).

NM_018122.5(DARS2):c.258C>T (p.Phe86=)

Gene: DARS2 (aspartyl-tRNA synthetase 2, mitochondrial; plus strand). Cytogenetic location: 1q25.1.
Variant type: single nucleotide variant.
Coding change: c.258C>T on transcript NM_018122.5 (MANE Select); coding-DNA position 258, C replaced by T.
Protein change: p.Phe86=; no amino-acid change (phenylalanine 86 retained).
Molecular consequence: synonymous variant.
Genome position (GRCh38, 1-based): chr1:173,828,363, C>T. VCF-style: chr1-173828363-C-T. GRCh37 (hg19) VCF-style: chr1-173797501-C-T.
Other names: NM_001365213.2:c.258C>T; c.258C>T, p.Phe86= (NM_001365212.1, NM_001365213.2).
Identifiers: ClinVar variation 3776808 (VCV003776808.1).
Genomic context (GRCh38, chr1:173,828,363, plus strand): 5'-ATGTTTCTTTTCCCCCCCCCCATTAATCAGGCAAAACACATTCTTGGTCCTAAGAGATTT[C>T]GATGGGCTTGTTCAAGTTATCATTCCCCAGGATGAGGTAATAGAAAATTTCCTGTTATTA-3'
Protein context (NP_060592.2, residues 76-96): RQNTFLVLRD[Phe86=]DGLVQVIIPQ